The following is an entry in ClinVar:

NM_001356.5(DDX3X):c.1157C>A (p.Pro386His)

Gene: DDX3X (DEAD-box helicase 3 X-linked; plus strand). Cytogenetic location: Xp11.4.
Variant type: single nucleotide variant.
Coding change: c.1157C>A on transcript NM_001356.5 (MANE Select); coding-DNA position 1157, C replaced by A.
Protein change: p.Pro386His; replaces proline 386 with histidine.
Molecular consequence: missense variant. On other transcripts: non-coding transcript variant (1).
Genome position (GRCh38, 1-based): chrX:41,345,311, C>A. VCF-style: chrX-41345311-C-A. GRCh37 (hg19) VCF-style: chrX-41204564-C-A.
Other names: c.1157C>A, p.Pro386His (NM_001193416.3); c.1109C>A, p.Pro370His (NM_001193417.3); c.599C>A, p.Pro200His (NM_001363819.1); short protein forms P200H, P370H, P386H.
Identifiers: ClinVar variation 3032979 (VCV003032979.2), dbSNP rs2519518691, ClinGen allele CA412771528.

ClinVar aggregate classification (germline): Likely pathogenic (0 of 4 stars; one submission).

Conditions:
DDX3X-related disorder. Also called: DDX3X-related condition.

Submission:

PreventionGenetics, part of Exact Sciences
Classification: Likely pathogenic for DDX3X-related condition. Last evaluated: 2023-12-28. Review status: no assertion criteria provided. Collection method: clinical testing. Allele origin: germline.
Comment: The DDX3X c.1157C>A variant is predicted to result in the amino acid substitution p.Pro386His. Located in the helicase ATP binding domain, the p.Pro386 residue is highly conserved during evolution. To our knowledge, this variant has not been reported in the literature or in a large population database, indicating this variant is rare. Of note, missense changes at the flanking highly conserved codons within the helicase ATP binding domain have been reported to occur de novo in individuals with DDX3X-related neurodevelopmental disorders (see for example, p.Ser382Arg in Figure 1 of Lennox et al. 2020. PubMed ID: 32135084; p.Ala383Gly in Brunet et al. 2021. PubMed ID: 33619735; p.Leu392Pro in Snijders Blok et al. 2015. PubMed ID: 26235985). This variant is interpreted as likely pathogenic.